The following is an entry in ClinVar:

NM_000334.4(SCN4A):c.3913-164G>A

Genes: SCN4A (sodium voltage-gated channel alpha subunit 4; minus strand), GH-LCR (growth hormone locus control region; plus strand). Cytogenetic location: 17q23.3.
Variant type: single nucleotide variant.
Coding change: c.3913-164G>A on transcript NM_000334.4 (MANE Select); 164 bases into the intron before coding-DNA position 3913, G replaced by A.
Molecular consequence: intron variant.
Genome position (GRCh38, 1-based): chr17:63,944,014, C>T on the plus strand (G>A on the coding strand, the complement: SCN4A is on the minus strand). VCF-style: chr17-63944014-C-T. GRCh37 (hg19) VCF-style: chr17-62021374-C-T.
Identifiers: ClinVar variation 669355 (VCV000669355.2), dbSNP rs11869827, ClinGen allele CA14456462.
Genomic context (GRCh38, chr17:63,944,014, plus strand): 5'-CCCTGTTGATCAGCCTGGAGGAAGCGGGAGGGTCAGAGATGGAGGGACAAGGGGAGAATG[C>T]GGGACCGAGGAGAAGGGAGGGAAGGGGAGTGGGGATCAATGCTGTCTTGCAGCCTGTTTC-3'

ClinVar aggregate classification (germline): Benign. Review status: criteria provided, multiple submitters, no conflicts (2 of 4 stars). 2 submissions from 2 submitters: Benign (2). Last evaluated 2018-06-16.

Allele frequency attached by ClinVar (database versions not stated): 1000 Genomes Project 30x 0.22642; 1000 Genomes Project 0.23303; TOPMed 0.24941; gnomAD 0.27059.

Submissions (2):

GeneDx
Classification: Benign. Last evaluated: 2018-06-16. Review status: criteria provided, single submitter. Criteria: GeneDx Variant Classification (06012015). Collection method: clinical testing. Allele origin: germline. Affected: yes.
Comment: This variant is considered likely benign or benign based on one or more of the following criteria: it is a conservative change, it occurs at a poorly conserved position in the protein, it is predicted to be benign by multiple in silico algorithms, and/or has population frequency not consistent with disease.

Breakthrough Genomics
Classification: Benign. Review status: criteria provided, single submitter. Criteria: ACMG Guidelines, 2015. Collection method: not provided. Allele origin: germline. Inheritance: Autosomal recessive inheritance. Affected: yes.